The following is an entry in ClinVar:

NM_001385682.1(MAP4):c.*69G>A

Gene: MAP4 (microtubule associated protein 4; minus strand). Cytogenetic location: 3p21.31.
Variant type: single nucleotide variant.
Coding change: c.*69G>A on transcript NM_001385682.1 (MANE Select); 69 bases downstream of the stop codon, G replaced by A.
Molecular consequence: 3 prime UTR variant. On other transcripts: missense variant (3).
Genome position (GRCh38, 1-based): chr3:47,852,865, C>T on the plus strand (G>A on the coding strand, the complement: MAP4 is on the minus strand). VCF-style: chr3-47852865-C-T. GRCh37 (hg19) VCF-style: chr3-47894355-C-T.
Other names: c.3335G>A, p.Arg1112His (NM_001134364.2); c.*167G>A (NM_001384675.1, NM_001384677.1, NM_001384678.1 and 77 more transcripts); c.*69G>A (NM_001384676.1, NM_001384680.1, NM_001384707.1 and 53 more transcripts); c.3212G>A, p.Arg1071His (NM_001384681.1); c.3290G>A, p.Arg1097His (NM_001384756.1); short protein forms R1071H, R1097H, R1112H.
Identifiers: ClinVar variation 2653784 (VCV002653784.22), dbSNP rs780981104, ClinGen allele CA2370471.

ClinVar aggregate classification (germline): Likely benign (1 of 4 stars; one submission).

Allele frequency attached by ClinVar (database versions not stated): gnomAD 0.00020; TOPMed 0.00022; gnomAD exomes 0.00029; ExAC 0.00041.
gnomAD v4.1: 445 of 1,569,108 alleles (0.028%); highest among the groups gnomAD compares: Middle Eastern, 0.05%; no homozygotes.

Submission:

CeGaT Center for Human Genetics Tuebingen
Classification: Likely benign. Last evaluated: 2022-07-01. Review status: criteria provided, single submitter. Criteria: CeGaT Center For Human Genetics Tuebingen Variant Classification Criteria Version 2. Collection method: clinical testing. Allele origin: germline. Affected: yes. Observed: 1 variant allele.
Comment: MAP4: BP4